The following is an entry in ClinVar:

NM_020754.4(ARHGAP31):c.2302A>G (p.Thr768Ala)

Gene: ARHGAP31 (Rho GTPase activating protein 31; plus strand). Cytogenetic location: 3q13.33.
Variant type: single nucleotide variant.
Coding change: c.2302A>G on transcript NM_020754.4 (MANE Select); coding-DNA position 2302, A replaced by G.
Protein change: p.Thr768Ala; replaces threonine 768 with alanine.
Molecular consequence: missense variant.
Genome position (GRCh38, 1-based): chr3:119,414,231, A>G. VCF-style: chr3-119414231-A-G. GRCh37 (hg19) VCF-style: chr3-119133078-A-G.
Other names: short protein forms T768A.
Identifiers: ClinVar variation 2654058 (VCV002654058.25), dbSNP rs1433066963, ClinGen allele CA354050413.
Genomic context (GRCh38, chr3:119,414,231, plus strand): 5'-GACCTCGCCAGCCTGGCTCCTCTGGAAATAGTTCCTTTTGAGAAGGCATCTCCACAAGCA[A>G]CAGTGGAAGTAGGAGGCCCAGGCAATCTGTCTCCTCCACTCCCACCTGCTCCTCCCCCTC-3'
Protein context (NP_065805.2, residues 758-778): VPFEKASPQA[Thr768Ala]VEVGGPGNLS

ClinVar aggregate classification (germline): Uncertain significance. Review status: criteria provided, multiple submitters, no conflicts (2 of 4 stars). 2 submissions from 2 submitters: Uncertain significance (2). Last evaluated 2025-07-02.

Allele frequency attached by ClinVar (database versions not stated): gnomAD exomes below 0.00001; gnomAD 0.00001; TOPMed 0.00001.
gnomAD v4.1: 7 of 1,614,096 alleles (0.00043%); highest among the groups gnomAD compares: Non-Finnish European, 0.00059%; no homozygotes.

Submissions (2):

Women's Health and Genetics/Laboratory Corporation of America, LabCorp
Classification: Uncertain significance. Last evaluated: 2025-07-02. Review status: criteria provided, single submitter. Criteria: LabCorp Variant Classification Summary - May 2015. Collection method: clinical testing. Allele origin: germline.
Comment: Variant summary: ARHGAP31 c.2302A>G (p.Thr768Ala) results in a non-conservative amino acid change in the encoded protein sequence. Algorithms developed to predict the effect of missense changes on protein structure and function are either unavailable or do not agree on the potential impact of this missense change. The variant was absent in 249008 control chromosomes. The available data on variant occurrences in the general population are insufficient to allow any conclusion about variant significance. To our knowledge, no occurrence of c.2302A>G in individuals affected with Adams-Oliver Syndrome 1 and no experimental evidence demonstrating its impact on protein function have been reported. ClinVar contains an entry for this variant (Variation ID: 2654058). Based on the evidence outlined above, the variant was classified as uncertain significance.

CeGaT Center for Human Genetics Tuebingen
Classification: Uncertain significance. Last evaluated: 2023-08-01. Review status: criteria provided, single submitter. Criteria: CeGaT Center For Human Genetics Tuebingen Variant Classification Criteria Version 2. Collection method: clinical testing. Allele origin: germline. Affected: yes. Observed: 1 variant allele.
Comment: ARHGAP31: PM2, BP4